The following is an entry in ClinVar:

NM_003070.5(SMARCA2):c.4319A>C (p.Tyr1440Ser)

Gene: SMARCA2 (SWI/SNF related BAF chromatin remodeling complex subunit ATPase 2; plus strand). Cytogenetic location: 9p24.3.
Variant type: single nucleotide variant.
Coding change: c.4319A>C on transcript NM_003070.5 (MANE Select); coding-DNA position 4319, A replaced by C.
Protein change: p.Tyr1440Ser; replaces tyrosine 1440 with serine.
Molecular consequence: missense variant.
Genome position (GRCh38, 1-based): chr9:2,181,636, A>C. VCF-style: chr9-2181636-A-C. GRCh37 (hg19) VCF-style: chr9-2181636-A-C.
Other names: c.4319A>C, p.Tyr1440Ser (NM_001289396.2); c.4091A>C, p.Tyr1364Ser (NM_001289397.2); c.293A>C, p.Tyr98Ser (NM_001289398.2); c.377A>C, p.Tyr126Ser (NM_001289399.2); c.383A>C, p.Tyr128Ser (NM_001289400.2); c.4265A>C, p.Tyr1422Ser (NM_139045.4); short protein forms Y126S, Y128S, Y1364S, Y1422S, Y1440S, Y98S.
Identifiers: ClinVar variation 4527834 (VCV004527834.1).

ClinVar aggregate classification (germline): Uncertain significance (1 of 4 stars; one submission).

Submission:

GeneDx
Classification: Uncertain significance. Last evaluated: 2025-05-06. Review status: criteria provided, single submitter. Criteria: GeneDx Variant Classification Process June 2021. Collection method: clinical testing. Allele origin: germline. Affected: yes.
Comment: Not observed at significant frequency in large population cohorts (gnomAD); In silico analysis supports that this missense variant has a deleterious effect on protein structure/function; Has not been previously published as pathogenic or benign to our knowledge